The following is an entry in ClinVar:

NM_003072.5(SMARCA4):c.3727C>T (p.Arg1243Trp)

Gene: SMARCA4 (SWI/SNF related BAF chromatin remodeling complex subunit ATPase 4; plus strand). Cytogenetic location: 19p13.2.
Variant type: single nucleotide variant.
Coding change: c.3727C>T on transcript NM_003072.5 (MANE Select); coding-DNA position 3727, C replaced by T.
Protein change: p.Arg1243Trp; replaces arginine 1243 with tryptophan.
Molecular consequence: missense variant. On other transcripts: non-coding transcript variant (1).
Genome position (GRCh38, 1-based): chr19:11,033,470, C>T. VCF-style: chr19-11033470-C-T. GRCh37 (hg19) VCF-style: chr19-11144146-C-T.
Other names: c.3727C>T, p.Arg1243Trp (NM_001128844.3, NM_001128845.2, NM_001128846.2 and 6 more transcripts); short protein forms R1243W.
Identifiers: ClinVar variation 4530275 (VCV004530275.2).

ClinVar aggregate classification (germline): Uncertain significance (1 of 4 stars; one submission).
ClinVar aggregate classification (somatic clinical impact): Tier I - Strong. Review status: criteria provided, single submitter (1 of 4 stars). 2 submissions from 1 submitter. Last evaluated 2024-12-30.

Conditions:
Rhabdoid tumor predisposition syndrome 2 (RTPS2). Identifiers: Orphanet 231108, Orphanet 69077, MedGen C2750074, MONDO:0013224, OMIM 613325.
Medulloblastoma WNT activated. Identifiers: MedGen C4331965, MONDO:0850196.
Medulloblastoma non-WNT/non-SHH. Identifiers: MedGen C4330667, MONDO:0850198.

Submissions (3):

Labcorp Genetics (formerly Invitae), Labcorp
Classification: Uncertain significance for Rhabdoid tumor predisposition syndrome 2. Last evaluated: 2026-01-19. Review status: criteria provided, single submitter. Criteria: Invitae Variant Classification Sherloc (09022015). Collection method: clinical testing. Allele origin: germline.
Comment: This sequence change replaces arginine, which is basic and polar, with tryptophan, which is neutral and slightly polar, at codon 1243 of the SMARCA4 protein (p.Arg1243Trp). This variant is not present in population databases (gnomAD no frequency). This variant has not been reported in the literature in individuals affected with SMARCA4-related conditions. Invitae Evidence Modeling of protein sequence and biophysical properties (such as structural, functional, and spatial information, amino acid conservation, physicochemical variation, residue mobility, and thermodynamic stability) indicates that this missense variant is expected to disrupt SMARCA4 protein function with a positive predictive value of 95%. Experimental studies have shown that this missense change affects SMARCA4 function (PMID: 33144586). In summary, the available evidence is currently insufficient to determine the role of this variant in disease. Therefore, it has been classified as a Variant of Uncertain Significance.

Institute for Genomic Medicine (IGM) Clinical Laboratory, Nationwide Children's Hospital
Classification: Tier I - Strong for Medulloblastoma non-WNT/non-SHH. Assertion type: diagnostic. Clinical significance: supports diagnosis. Last evaluated: 2024-12-30. Review status: criteria provided, single submitter. Criteria: AMP/ASCO/CAP Guidelines, 2017. Collection method: clinical testing. Allele origin: somatic. Affected: yes.
Comment: Variant has Tier I (strong) clinical significance as a diagnostic inclusion criterion in medulloblastoma non-WNT/non-SHH, based on the following evidence: 1) Documented in one or more cancer databases (e.g., St. Jude Pecan, COSMIC, CIViC, OncoKB). 2) Appears in one or more well-established professional guidelines (e.g., World Health Organization [WHO]; National Comprehensive Cancer Network [NCCN]) as providing diagnostic, prognostic, or therapeutic information. 3) Information in the literature supports potential biologic effect of variant (PMID: 33144586). 4) Diagnostic for a specific tumor type/classification based on well-powered studies with expert-level consensus (Evidence Level B; PMIDs: 21163964, 28726821, 22820256, 22832583, 22722829, 23432644).

Institute for Genomic Medicine (IGM) Clinical Laboratory, Nationwide Children's Hospital
Classification: Tier I - Strong for Medulloblastoma WNT activated. Assertion type: diagnostic. Clinical significance: supports diagnosis. Last evaluated: 2024-05-08. Review status: criteria provided, single submitter. Criteria: AMP/ASCO/CAP Guidelines, 2017. Collection method: clinical testing. Allele origin: somatic. Affected: yes.
Comment: Variant has Tier I (strong) clinical significance as a diagnostic inclusion criterion in medulloblastoma WNT activated, based on the following evidence: 1) Documented in one or more cancer databases (e.g., St. Jude Pecan, COSMIC, CIViC, OncoKB). 2) Appears in one or more well-established professional guidelines (e.g., World Health Organization [WHO]; National Comprehensive Cancer Network [NCCN]) as providing diagnostic, prognostic, or therapeutic information. 3) Information in the literature supports potential biologic effect of variant (PMID: 33144586). 4) Diagnostic for a specific tumor type/classification based on well-powered studies with expert-level consensus (Evidence Level B; PMIDs: 21163964, 28726821, 22820256, 22832583, 22722829, 23432644).

Literature cited by the submitters: PubMed 33144586 (cited by Labcorp Genetics (formerly Invitae), Labcorp and Institute for Genomic Medicine (IGM) Clinical Laboratory, Nationwide Children's Hospital); PubMed 21163964 (cited by Institute for Genomic Medicine (IGM) Clinical Laboratory, Nationwide Children's Hospital); PubMed 28726821 (cited by Institute for Genomic Medicine (IGM) Clinical Laboratory, Nationwide Children's Hospital); PubMed 22820256 (cited by Institute for Genomic Medicine (IGM) Clinical Laboratory, Nationwide Children's Hospital); PubMed 22832583 (cited by Institute for Genomic Medicine (IGM) Clinical Laboratory, Nationwide Children's Hospital); PubMed 22722829 (cited by Institute for Genomic Medicine (IGM) Clinical Laboratory, Nationwide Children's Hospital); PubMed 23432644 (cited by Institute for Genomic Medicine (IGM) Clinical Laboratory, Nationwide Children's Hospital).